The following is an entry in ClinVar:

ClinVar aggregate classification (germline): Uncertain significance (1 of 4 stars; one submission).

Allele frequency attached by ClinVar (database versions not stated): TOPMed 0.00001.

Submission:

Labcorp Genetics (formerly Invitae), Labcorp
Classification: Uncertain significance. Last evaluated: 2023-08-17. Review status: criteria provided, single submitter. Criteria: Invitae Variant Classification Sherloc (09022015). Collection method: clinical testing. Allele origin: germline.
Comment: This sequence change replaces alanine, which is neutral and non-polar, with valine, which is neutral and non-polar, at codon 211 of the ASXL1 protein (p.Ala211Val). In summary, the available evidence is currently insufficient to determine the role of this variant in disease. Therefore, it has been classified as a Variant of Uncertain Significance. An algorithm developed to predict the effect of missense changes on protein structure and function (PolyPhen-2) suggests that this variant is likely to be disruptive. This variant has not been reported in the literature in individuals affected with ASXL1-related conditions. This variant is not present in population databases (gnomAD no frequency).

NM_015338.6(ASXL1):c.632C>T (p.Ala211Val)

Gene: ASXL1 (ASXL transcriptional regulator 1; plus strand). Cytogenetic location: 20q11.21.
Variant type: single nucleotide variant.
Coding change: c.632C>T on transcript NM_015338.6 (MANE Select); coding-DNA position 632, C replaced by T.
Protein change: p.Ala211Val; replaces alanine 211 with valine.
Molecular consequence: missense variant. On other transcripts: intron variant (1).
Genome position (GRCh38, 1-based): chr20:32,429,967, C>T. VCF-style: chr20-32429967-C-T. GRCh37 (hg19) VCF-style: chr20-31017770-C-T.
Other names: c.535+536C>T (NM_001363734.1); short protein forms A211V.
Identifiers: ClinVar variation 2835455 (VCV002835455.3), dbSNP rs1265899855, ClinGen allele CA408553004.
Genomic context (GRCh38, chr20:32,429,967, plus strand): 5'-CGGGCTGCCACGCCGATGGCGAGAGCGGCAGCCCGTCCAGCAGCAGCAGCGGCTCTCTGG[C>T]CCTGGGCAGCGCTGCTATTCGTGGCCAGGCCGAGGTCACCCAGGACCCTGCCCCGCTCCT-3'
Protein context (NP_056153.2, residues 201-221): SPSSSSSGSL[Ala211Val]LGSAAIRGQA